The following is an entry in ClinVar:

ClinVar aggregate classification (germline): Likely benign. Review status: criteria provided, multiple submitters, no conflicts (2 of 4 stars). 3 submissions from 3 submitters: Likely benign (3). Last evaluated 2026-04-01.

Conditions:
Cardiovascular phenotype. Identifiers: MedGen CN230736.
Long QT syndrome 1 (LQT1). Identifiers: Orphanet 101016, Orphanet 768, MedGen C4551647, MONDO:0100316, OMIM 192500, MONDO:0008646.

Allele frequency attached by ClinVar (database versions not stated): gnomAD exomes 0.00003 and 0.00006; TOPMed 0.00004; ExAC 0.00007.

Submissions (3):

CeGaT Center for Human Genetics Tuebingen
Classification: Likely benign. Last evaluated: 2026-04-01. Review status: criteria provided, single submitter. Criteria: CeGaT Center For Human Genetics Tuebingen Variant Classification Criteria Version 2. Collection method: clinical testing. Allele origin: germline. Affected: yes. Observed: 1 variant allele.
Comment: CALM3: BP4, BP7

Labcorp Genetics (formerly Invitae), Labcorp
Classification: Likely benign for Long QT syndrome 1. Last evaluated: 2024-09-17. Review status: criteria provided, single submitter. Criteria: Invitae Variant Classification Sherloc (09022015). Collection method: clinical testing. Allele origin: germline.

Ambry Genetics
Classification: Likely benign for Cardiovascular phenotype. Last evaluated: 2019-03-01. Review status: criteria provided, single submitter. Criteria: Ambry Variant Classification Scheme 2023. Collection method: clinical testing. Allele origin: germline.

NM_005184.4(CALM3):c.444A>T (p.Ala148=)

Gene: CALM3 (calmodulin 3; plus strand). Cytogenetic location: 19q13.32.
Variant type: single nucleotide variant.
Coding change: c.444A>T on transcript NM_005184.4 (MANE Select); coding-DNA position 444, A replaced by T.
Protein change: p.Ala148=; no amino-acid change (alanine 148 retained).
Molecular consequence: synonymous variant.
Genome position (GRCh38, 1-based): chr19:46,609,147, A>T. VCF-style: chr19-46609147-A-T. GRCh37 (hg19) VCF-style: chr19-47112404-A-T.
Other names: c.336A>T, p.Ala112= (NM_001329921.1, NM_001329923.1, NM_001329924.2 and 2 more transcripts); c.444A>T, p.Ala148= (NM_001329922.1).
Identifiers: ClinVar variation 1087703 (VCV001087703.14), dbSNP rs779594484, ClinGen allele CA9529860.
Genomic context (GRCh38, chr19:46,609,147, plus strand): 5'-GCCCGCCTGACCTCCTCTCTCTCTGCTTCACTCCACAGAGTTTGTACAGATGATGACTGC[A>T]AAGTGAAGGCCCCCCGGGCAGCTGGCGATGCCCGTTCTCTTGATCTCTCTCTTCTCGCGC-3'
Protein context (NP_005175.2, residues 138-149): NYEEFVQMMT[Ala148=]K